The following is an entry in ClinVar:

ClinVar aggregate classification (germline): Benign. Review status: criteria provided, multiple submitters, no conflicts (2 of 4 stars). 3 submissions from 3 submitters: Benign (2). 1 of the submissions does not count toward it. Last evaluated 2021-05-04.

Conditions:
MYL1-related disorder. Also called: MYL1-related condition.

Allele frequency attached by ClinVar (database versions not stated): gnomAD exomes 0.00516 and 0.01228; ExAC 0.01474; ESP Exome Variant Server 0.02622; gnomAD 0.02646 and 0.02663; TOPMed 0.02843; 1000 Genomes Project 0.04113; 1000 Genomes Project 30x 0.04341.
gnomAD v4.1: 11,732 of 1,604,542 alleles (0.73%); highest among the groups gnomAD compares: African/African-American, 8.6%; 432 homozygotes.

Submissions (3):

GeneDx
Classification: Benign. Last evaluated: 2021-05-04. Review status: criteria provided, single submitter. Criteria: GeneDx Variant Classification Process June 2021. Collection method: clinical testing. Allele origin: germline. Affected: yes.

Breakthrough Genomics
Classification: Benign. Review status: criteria provided, single submitter. Criteria: ACMG Guidelines, 2015. Collection method: not provided. Allele origin: germline. Inheritance: Autosomal recessive inheritance. Affected: yes.

PreventionGenetics, part of Exact Sciences
Classification: Benign for MYL1-related condition. Last evaluated: 2019-10-29. Review status: no assertion criteria provided. Collection method: clinical testing. Allele origin: germline. Not counted in ClinVar's aggregate classification.
Comment: This variant is classified as benign based on ACMG/AMP sequence variant interpretation guidelines (Richards et al. 2015 PMID: 25741868, with internal and published modifications).

NM_079420.3(MYL1):c.32T>C (p.Val11Ala)

Gene: MYL1 (myosin light chain 1; minus strand). Cytogenetic location: 2q34.
Variant type: single nucleotide variant.
Coding change: c.32T>C on transcript NM_079420.3 (MANE Select); coding-DNA position 32, T replaced by C.
Protein change: p.Val11Ala; replaces valine 11 with alanine.
Molecular consequence: missense variant.
Genome position (GRCh38, 1-based): chr2:210,315,011, A>G on the plus strand (T>C on the coding strand, the complement: MYL1 is on the minus strand). VCF-style: chr2-210315011-A-G. GRCh37 (hg19) VCF-style: chr2-211179735-A-G.
Other names: short protein forms V11A.
Identifiers: ClinVar variation 1232674 (VCV001232674.6), dbSNP rs62001905, ClinGen allele CA2085411.